The following is an entry in ClinVar:

ClinVar aggregate classification (germline): Uncertain significance. Review status: criteria provided, multiple submitters, no conflicts (2 of 4 stars). 2 submissions from 2 submitters: Uncertain significance (2). Last evaluated 2025-06-03.

Conditions:
Immunodeficiency 51 (IMD51). Also called: CANDIDIASIS, FAMILIAL, 5. Identifiers: Orphanet 1334, MedGen C4310803, MONDO:0013500, OMIM 613953.

Allele frequency attached by ClinVar (database versions not stated): TOPMed below 0.00001; gnomAD exomes 0.00001 and 0.00002; ExAC 0.00002.
gnomAD v4.1: 14 of 1,614,052 alleles (0.00087%); highest among the groups gnomAD compares: Non-Finnish European, 0.0012%; no homozygotes.

Submissions (2):

Ambry Genetics
Classification: Uncertain significance. Last evaluated: 2025-06-03. Review status: criteria provided, single submitter. Criteria: Ambry Variant Classification Scheme 2023. Collection method: clinical testing. Allele origin: germline.

Labcorp Genetics (formerly Invitae), Labcorp
Classification: Uncertain significance for Immunodeficiency 51. Last evaluated: 2019-11-01. Review status: criteria provided, single submitter. Criteria: Invitae Variant Classification Sherloc (09022015). Collection method: clinical testing. Allele origin: germline.
Comment: This sequence change replaces tryptophan with cysteine at codon 320 of the IL17RA protein (p.Trp320Cys). The tryptophan residue is highly conserved and there is a large physicochemical difference between tryptophan and cysteine. This variant is present in population databases (rs758399114, ExAC 0.005%). This variant has not been reported in the literature in individuals with IL17RA-related conditions. Algorithms developed to predict the effect of missense changes on protein structure and function are either unavailable or do not agree on the potential impact of this missense change (SIFT: "Deleterious"; PolyPhen-2: "Probably Damaging"; Align-GVGD: "Class C0"). In summary, the available evidence is currently insufficient to determine the role of this variant in disease. Therefore, it has been classified as a Variant of Uncertain Significance.

NM_014339.7(IL17RA):c.960G>T (p.Trp320Cys)

Genes: IL17RA (interleukin 17 receptor A; plus strand), LOC129391259 (MPRA-validated peak4440 silencer; plus strand). Cytogenetic location: 22q11.1.
Variant type: single nucleotide variant.
Coding change: c.960G>T on transcript NM_014339.7 (MANE Select); coding-DNA position 960, G replaced by T.
Protein change: p.Trp320Cys; replaces tryptophan 320 with cysteine.
Molecular consequence: missense variant. On other transcripts: intron variant (1).
Genome position (GRCh38, 1-based): chr22:17,105,869, G>T. VCF-style: chr22-17105869-G-T. GRCh37 (hg19) VCF-style: chr22-17586759-G-T.
Other names: c.943+267G>T (NM_001289905.2); c.960G>T (NM_014339.5); short protein forms W320C.
Identifiers: ClinVar variation 839324 (VCV000839324.11), dbSNP rs758399114, ClinGen allele CA10086606.